The following is an entry in ClinVar:

NM_015346.4(ZFYVE26):c.2173C>T (p.Arg725Cys)

Gene: ZFYVE26 (zinc finger FYVE-type containing 26; minus strand). Cytogenetic location: 14q24.1.
Variant type: single nucleotide variant.
Coding change: c.2173C>T on transcript NM_015346.4 (MANE Select); coding-DNA position 2173, C replaced by T.
Protein change: p.Arg725Cys; replaces arginine 725 with cysteine.
Molecular consequence: missense variant.
Genome position (GRCh38, 1-based): chr14:67,798,089, G>A on the plus strand (C>T on the coding strand, the complement: ZFYVE26 is on the minus strand). VCF-style: chr14-67798089-G-A. GRCh37 (hg19) VCF-style: chr14-68264806-G-A.
Other names: c.2173C>T (NM_015346.3); short protein forms R725C.
Identifiers: ClinVar variation 2196718 (VCV002196718.4), dbSNP rs752510238, ClinGen allele CA7240388.

ClinVar aggregate classification (germline): Uncertain significance. Review status: criteria provided, multiple submitters, no conflicts (2 of 4 stars). 3 submissions from 3 submitters: Uncertain significance (3). Last evaluated 2023-02-13.

Conditions:
Inborn genetic diseases. Identifiers: MedGen C0950123, MeSH D030342.
Spastic paraplegia. Identifiers: MedGen C0037772, HP:0001258.

Allele frequency attached by ClinVar (database versions not stated): TOPMed 0.00001; ExAC 0.00002; gnomAD exomes 0.00002.

Submissions (3):

Ambry Genetics
Classification: Uncertain significance for Inborn genetic diseases. Last evaluated: 2023-02-13. Review status: criteria provided, single submitter. Criteria: Ambry Variant Classification Scheme 2023. Collection method: clinical testing. Allele origin: germline.

Athena Diagnostics
Classification: Uncertain significance. Last evaluated: 2022-10-11. Review status: criteria provided, single submitter. Criteria: Athena Diagnostics Criteria. Collection method: clinical testing. Allele origin: unknown.
Comment: Available data are insufficient to determine the clinical significance of the variant at this time. The frequency of this variant in the general population is uninformative in assessment of its pathogenicity. Computational tools disagree on the variant's effect on normal protein function.

Labcorp Genetics (formerly Invitae), Labcorp
Classification: Uncertain significance for Spastic paraplegia. Last evaluated: 2022-08-07. Review status: criteria provided, single submitter. Criteria: Invitae Variant Classification Sherloc (09022015). Collection method: clinical testing. Allele origin: germline.
Comment: This sequence change replaces arginine, which is basic and polar, with cysteine, which is neutral and slightly polar, at codon 725 of the ZFYVE26 protein (p.Arg725Cys). This variant is present in population databases (rs752510238, gnomAD 0.004%). This variant has not been reported in the literature in individuals affected with ZFYVE26-related conditions. Algorithms developed to predict the effect of missense changes on protein structure and function (SIFT, PolyPhen-2, Align-GVGD) all suggest that this variant is likely to be disruptive. In summary, the available evidence is currently insufficient to determine the role of this variant in disease. Therefore, it has been classified as a Variant of Uncertain Significance.